The following is an entry in ClinVar:

ClinVar aggregate classification (germline): Uncertain significance (1 of 4 stars; one submission).

Conditions:
Glycogen storage disease IXb (GSD9B). Also called: GLYCOGENOSIS OF LIVER AND MUSCLE, AUTOSOMAL RECESSIVE; GSD IXb; PHOSPHORYLASE KINASE DEFICIENCY OF LIVER AND MUSCLE, AUTOSOMAL RECESSIVE. Identifiers: Orphanet 79240, MedGen C0543514, MONDO:0009868, OMIM 261750.

Submission:

Labcorp Genetics (formerly Invitae), Labcorp
Classification: Uncertain significance for Glycogen storage disease IXb. Last evaluated: 2020-07-07. Review status: criteria provided, single submitter. Criteria: Invitae Variant Classification Sherloc (09022015). Collection method: clinical testing. Allele origin: germline.
Comment: This variant results in a copy number gain of the genomic region encompassing exons 17-20 of the PHKB gene. While the exact position of this variant cannot be determined from the data, sub-genic copy number gains are generally in tandem (PMID: 25640679). This variant is predicted to be in-frame, and likely preserves the integrity of the reading frame. This variant has not been reported in the literature in individuals with PHKB-related conditions. Experimental studies and prediction algorithms are not available or were not evaluated, and the functional significance of this variant is currently unknown. In summary, the available evidence is currently insufficient to determine the role of this variant in disease. Therefore, it has been classified as a Variant of Uncertain Significance.

Literature cited by the submitters: PubMed 25640679.

NC_000016.9:g.(?_47682424)_(47684852_?)dup

Gene: PHKB (phosphorylase kinase regulatory subunit beta; plus strand). Cytogenetic location: 16q12.1.
Variant type: Duplication.
Identifiers: ClinVar variation 1056005 (VCV001056005.4).